The following is an entry in ClinVar:

NM_001379403.1(WDR26):c.1349T>C (p.Ile450Thr)

Gene: WDR26 (WD repeat domain 26; minus strand). Cytogenetic location: 1q42.12.
Variant type: single nucleotide variant.
Coding change: c.1349T>C on transcript NM_001379403.1 (MANE Select); coding-DNA position 1349, T replaced by C.
Protein change: p.Ile450Thr; replaces isoleucine 450 with threonine.
Molecular consequence: missense variant.
Genome position (GRCh38, 1-based): chr1:224,411,536, A>G on the plus strand (T>C on the coding strand, the complement: WDR26 is on the minus strand). VCF-style: chr1-224411536-A-G. GRCh37 (hg19) VCF-style: chr1-224599238-A-G.
Other names: c.1001T>C, p.Ile334Thr (NM_001115113.3); c.1049T>C, p.Ile350Thr (NM_025160.7); short protein forms I334T, I350T, I450T.
Identifiers: ClinVar variation 4534736 (VCV004534736.6).

ClinVar aggregate classification (germline): Uncertain significance (1 of 4 stars; one submission).

Submission:

CeGaT Center for Human Genetics Tuebingen
Classification: Uncertain significance. Last evaluated: 2025-11-01. Review status: criteria provided, single submitter. Criteria: CeGaT Center For Human Genetics Tuebingen Variant Classification Criteria Version 2. Collection method: clinical testing. Allele origin: germline. Affected: yes. Observed: 1 variant allele.
Comment: WDR26: PM2